The following is an entry in ClinVar:

ClinVar aggregate classification (germline): Uncertain significance. Review status: criteria provided, multiple submitters, no conflicts (2 of 4 stars). 2 submissions from 2 submitters: Uncertain significance (2). Last evaluated 2025-12-23.

Conditions:
Baller-Gerold syndrome (BGS). Also called: CRANIOSYNOSTOSIS WITH RADIAL DEFECTS. Identifiers: Orphanet 1225, MedGen C0265308, MONDO:0009039, OMIM 218600.

Allele frequency attached by ClinVar (database versions not stated): gnomAD exomes below 0.00001; gnomAD 0.00001; TOPMed 0.00001.
gnomAD v4.1: 5 of 1,578,016 alleles (0.00032%); highest among the groups gnomAD compares: East Asian, 0.0023%; no homozygotes.

Submissions (2):

Labcorp Genetics (formerly Invitae), Labcorp
Classification: Uncertain significance for Baller-Gerold syndrome. Last evaluated: 2025-12-23. Review status: criteria provided, single submitter. Criteria: Invitae Variant Classification Sherloc (09022015). Collection method: clinical testing. Allele origin: germline.
Comment: This sequence change replaces valine, which is neutral and non-polar, with methionine, which is neutral and non-polar, at codon 842 of the RECQL4 protein (p.Val842Met). This variant is present in population databases (no rsID available, gnomAD 0.06%). This variant has not been reported in the literature in individuals affected with RECQL4-related conditions. ClinVar contains an entry for this variant (Variation ID: 650324). Invitae Evidence Modeling of protein sequence and biophysical properties (such as structural, functional, and spatial information, amino acid conservation, physicochemical variation, residue mobility, and thermodynamic stability) indicates that this missense variant is not expected to disrupt RECQL4 protein function with a negative predictive value of 80%. In summary, the available evidence is currently insufficient to determine the role of this variant in disease. Therefore, it has been classified as a Variant of Uncertain Significance.

Blueprint Genetics
Classification: Uncertain significance. Last evaluated: 2023-01-16. Review status: criteria provided, single submitter. Criteria: ACMG Guidelines, 2015. Collection method: clinical testing. Allele origin: germline.

NM_004260.4(RECQL4):c.2524G>A (p.Val842Met)

Gene: RECQL4 (RecQ like helicase 4; minus strand). Cytogenetic location: 8q24.3.
Variant type: single nucleotide variant.
Coding change: c.2524G>A on transcript NM_004260.4 (MANE Select); coding-DNA position 2524, G replaced by A.
Protein change: p.Val842Met; replaces valine 842 with methionine.
Molecular consequence: missense variant.
Genome position (GRCh38, 1-based): chr8:144,513,078, C>T on the plus strand (G>A on the coding strand, the complement: RECQL4 is on the minus strand). VCF-style: chr8-144513078-C-T. GRCh37 (hg19) VCF-style: chr8-145738461-C-T.
Other names: short protein forms V842M.
Identifiers: ClinVar variation 650324 (VCV000650324.8), dbSNP rs1292755928, ClinGen allele CA372677186.